The following is an entry in ClinVar:

NM_001903.5(CTNNA1):c.2433+4A>G

Gene: CTNNA1 (catenin alpha 1; plus strand). Cytogenetic location: 5q31.2.
Variant type: single nucleotide variant.
Coding change: c.2433+4A>G on transcript NM_001903.5 (MANE Select); 4 bases into the intron after coding-DNA position 2433, A replaced by G.
Molecular consequence: intron variant.
Genome position (GRCh38, 1-based): chr5:138,932,716, A>G. VCF-style: chr5-138932716-A-G. GRCh37 (hg19) VCF-style: chr5-138268405-A-G.
Other names: c.2433+4A>G (NM_001323982.2, NM_001323984.2, NM_001290307.3 and 2 more transcripts); c.2340+4A>G (NM_001323986.2); c.2064+4A>G (NM_001290310.3); c.2124+4A>G (NM_001290309.3); c.1323+4A>G (NM_001323996.1, NM_001323993.1, NM_001324005.1 and 16 more transcripts); c.984+4A>G (NM_001324007.1, NM_001324009.1, NM_001324006.1 and 2 more transcripts); c.1080+4A>G (NM_001324013.1, NM_001324012.1); c.1189-1086A>G (NM_001324001.1); and 1 more.
Identifiers: ClinVar variation 1791186 (VCV001791186.5), dbSNP rs2533915819, ClinGen allele CA2580072875.

ClinVar aggregate classification (germline): Uncertain significance. Review status: criteria provided, multiple submitters, no conflicts (2 of 4 stars). 3 submissions from 3 submitters: Uncertain significance (3). Last evaluated 2024-10-29.

Conditions:
Patterned macular dystrophy 2. Identifiers: Orphanet 99001, MedGen C1837029, MONDO:0012162, OMIM 608970.
Hereditary cancer-predisposing syndrome. Also called: Hereditary Cancer Syndrome; Hereditary neoplastic syndrome; Tumor predisposition; Neoplastic Syndromes, Hereditary. Identifiers: Orphanet 140162, MedGen C0027672, MeSH D009386, MONDO:0015356.

Submissions (3):

Labcorp Genetics (formerly Invitae), Labcorp
Classification: Uncertain significance. Last evaluated: 2024-10-29. Review status: criteria provided, single submitter. Criteria: Invitae Variant Classification Sherloc (09022015). Collection method: clinical testing. Allele origin: germline.
Comment: This sequence change falls in intron 17 of the CTNNA1 gene. It does not directly change the encoded amino acid sequence of the CTNNA1 protein. It affects a nucleotide within the consensus splice site. This variant is not present in population databases (gnomAD no frequency). This variant has not been reported in the literature in individuals affected with CTNNA1-related conditions. ClinVar contains an entry for this variant (Variation ID: 1791186). Variants that disrupt the consensus splice site are a relatively common cause of aberrant splicing (PMID: 17576681, 9536098). Algorithms developed to predict the effect of sequence changes on RNA splicing suggest that this variant may disrupt the consensus splice site. In summary, the available evidence is currently insufficient to determine the role of this variant in disease. Therefore, it has been classified as a Variant of Uncertain Significance.

Baylor Genetics
Classification: Uncertain significance for Patterned macular dystrophy 2. Last evaluated: 2023-05-31. Review status: criteria provided, single submitter. Criteria: ACMG Guidelines, 2015. Collection method: clinical testing. Allele origin: unknown.

Ambry Genetics
Classification: Uncertain significance for Hereditary cancer-predisposing syndrome. Last evaluated: 2021-04-22. Review status: criteria provided, single submitter. Criteria: Ambry Variant Classification Scheme 2023. Collection method: clinical testing. Allele origin: germline.
Comment: The c.2433+4A>G intronic variant results from an A to G substitution 4 nucleotides after coding exon 16 in the CTNNA1 gene. This nucleotide position is well conserved in available vertebrate species. In silico splice site analysis predicts that this alteration will result in the creation or strengthening of a novel splice donor site. Since supporting evidence is limited at this time, the clinical significance of this alteration remains unclear.

Literature cited by the submitters: PubMed 17576681 (cited by Labcorp Genetics (formerly Invitae), Labcorp); PubMed 9536098 (cited by Labcorp Genetics (formerly Invitae), Labcorp).